The following is an entry in ClinVar:

NM_000246.4(CIITA):c.2816+5G>C

Gene: CIITA (class II major histocompatibility complex transactivator; plus strand). Cytogenetic location: 16p13.13.
Variant type: single nucleotide variant.
Coding change: c.2816+5G>C on transcript NM_000246.4 (MANE Select); 5 bases into the intron after coding-DNA position 2816, G replaced by C.
Molecular consequence: intron variant.
Genome position (GRCh38, 1-based): chr16:10,909,192, G>C. VCF-style: chr16-10909192-G-C. GRCh37 (hg19) VCF-style: chr16-11003049-G-C.
Other names: c.2819+5G>C (NM_001286402.1, NM_001379332.1); c.2672+5G>C (NM_001379330.1); c.2816+5G>C (NM_001379333.1); c.2669+5G>C (NM_001379331.1); c.1064+5G>C (NM_001286403.2); c.2747+5G>C (NM_001379334.1).
Identifiers: ClinVar variation 1428053 (VCV001428053.4), dbSNP rs772579018, ClinGen allele CA7900493.

ClinVar aggregate classification (germline): Uncertain significance. Review status: criteria provided, multiple submitters, no conflicts (2 of 4 stars). 2 submissions from 2 submitters: Uncertain significance (2). Last evaluated 2021-04-27.

Conditions:
MHC class II deficiency. Also called: Bare lymphocyte syndrome 2; BLS, TYPE II. Identifiers: Orphanet 572, MedGen C5447452, MONDO:0008855.

Allele frequency attached by ClinVar (database versions not stated): ExAC 0.00001; gnomAD exomes 0.00001 and 0.00003; TOPMed 0.00001.
gnomAD v4.1: 8 of 1,614,130 alleles (0.0005%); highest among the groups gnomAD compares: Admixed American, 0.012%; no homozygotes.

Submissions (2):

Labcorp Genetics (formerly Invitae), Labcorp
Classification: Uncertain significance for MHC class II deficiency. Last evaluated: 2021-04-27. Review status: criteria provided, single submitter. Criteria: Invitae Variant Classification Sherloc (09022015). Collection method: clinical testing. Allele origin: germline.
Comment: This sequence change falls in intron 12 of the CIITA gene. It does not directly change the encoded amino acid sequence of the CIITA protein. It affects a nucleotide within the consensus splice site of the intron. This variant is present in population databases (rs772579018, ExAC 0.009%). This variant has not been reported in the literature in individuals with CIITA-related conditions. Nucleotide substitutions within the consensus splice site are a relatively common cause of aberrant splicing (PMID: 17576681, 9536098). Algorithms developed to predict the effect of sequence changes on RNA splicing suggest that this variant may disrupt the consensus splice site, but this prediction has not been confirmed by published transcriptional studies. In summary, the available evidence is currently insufficient to determine the role of this variant in disease. Therefore, it has been classified as a Variant of Uncertain Significance.

Blueprint Genetics
Classification: Uncertain significance. Last evaluated: 2019-06-07. Review status: criteria provided, single submitter. Criteria: ACMG Guidelines, 2015. Collection method: clinical testing. Allele origin: germline.

Literature cited by the submitters: PubMed 17576681 (cited by Labcorp Genetics (formerly Invitae), Labcorp); PubMed 9536098 (cited by Labcorp Genetics (formerly Invitae), Labcorp).